The following is an entry in ClinVar:

NM_001166108.2(PALLD):c.630G>C (p.Gln210His)

Gene: PALLD (palladin, cytoskeletal associated protein; plus strand). Cytogenetic location: 4q32.3.
Variant type: single nucleotide variant.
Coding change: c.630G>C on transcript NM_001166108.2 (MANE Select); coding-DNA position 630, G replaced by C.
Protein change: p.Gln210His; replaces glutamine 210 with histidine.
Molecular consequence: missense variant.
Genome position (GRCh38, 1-based): chr4:168,512,134, G>C. VCF-style: chr4-168512134-G-C. GRCh37 (hg19) VCF-style: chr4-169433285-G-C.
Other names: c.630G>C, p.Gln210His (NM_016081.4); short protein forms Q210H.
Identifiers: ClinVar variation 3226832 (VCV003226832.1), dbSNP rs2531434756, ClinGen allele CA358727511.
Genomic context (GRCh38, chr4:168,512,134, plus strand): 5'-CAGAAGCCCAAATGGGGAGTCCTCGTCACCAGACAGTGGGTACCTGTCTCCTAAAAATCA[G>C]CCGTCAGCCCTGCTGAGTGCCTCAGCCAGCCAGAGCCCTATGGAAGACCAAGGGGAGATG-3'
Protein context (NP_001159580.1, residues 200-220): PDSGYLSPKN[Gln210His]PSALLSASAS

ClinVar aggregate classification (germline): Uncertain significance (1 of 4 stars; one submission).

Submission:

Ambry Genetics
Classification: Uncertain significance. Last evaluated: 2024-02-24. Review status: criteria provided, single submitter. Criteria: Ambry Variant Classification Scheme 2023. Collection method: clinical testing. Allele origin: germline.
Comment: The p.Q210H variant (also known as c.630G>C), located in coding exon 1 of the PALLD gene, results from a G to C substitution at nucleotide position 630. The glutamine at codon 210 is replaced by histidine, an amino acid with highly similar properties. This amino acid position is conserved. In addition, this alteration is predicted to be tolerated by in silico analysis. Based on the available evidence, the clinical significance of this alteration remains unclear.